The following is an entry in ClinVar:

ClinVar aggregate classification (germline): Conflicting classifications of pathogenicity. Review status: criteria provided, conflicting classifications (1 of 4 stars). 2 submissions from 2 submitters: Pathogenic (1); Uncertain significance (1). Last evaluated 2025-05-11.

Conditions:
TAPT1-related disorder. Also called: TAPT1-related condition.

Submissions (2):

Labcorp Genetics (formerly Invitae), Labcorp
Classification: Pathogenic. Last evaluated: 2025-05-11. Review status: criteria provided, single submitter. Criteria: Invitae Variant Classification Sherloc (09022015). Collection method: clinical testing. Allele origin: germline.
Comment: This sequence change creates a premature translational stop signal (p.Ser269*) in the TAPT1 gene. It is expected to result in an absent or disrupted protein product. Loss-of-function variants in TAPT1 are known to be pathogenic (PMID: 26365339, 32058062). This variant is not present in population databases (gnomAD no frequency). This variant has not been reported in the literature in individuals affected with TAPT1-related conditions. Algorithms developed to predict the effect of sequence changes on RNA splicing suggest that this variant may disrupt the consensus splice site. For these reasons, this variant has been classified as Pathogenic.

PreventionGenetics, part of Exact Sciences
Classification: Uncertain significance for TAPT1-related condition. Last evaluated: 2025-02-11. Review status: criteria provided, single submitter. Criteria: ACMG Guidelines, 2015. Collection method: clinical testing. Allele origin: germline.
Comment: The TAPT1 c.806C>G variant is predicted to result in premature protein termination (p.Ser269*). To our knowledge, this variant has not been reported in the literature or in a large population database (gnomAD), indicating this variant is rare. Although we suspect that this variant may be pathogenic, at this time, the clinical significance of this variant is uncertain due to the absence of conclusive functional and genetic evidence.

Literature cited by the submitters: PubMed 26365339 (cited by Labcorp Genetics (formerly Invitae), Labcorp); PubMed 32058062 (cited by Labcorp Genetics (formerly Invitae), Labcorp).

NM_153365.3(TAPT1):c.806C>G (p.Ser269Ter)

Gene: TAPT1 (transmembrane anterior posterior transformation 1; minus strand). Cytogenetic location: 4p15.32.
Variant type: single nucleotide variant.
Coding change: c.806C>G on transcript NM_153365.3 (MANE Select); coding-DNA position 806, C replaced by G.
Protein change: p.Ser269Ter; replaces serine 269 with a stop codon.
Molecular consequence: nonsense.
Genome position (GRCh38, 1-based): chr4:16,186,821, G>C on the plus strand (C>G on the coding strand, the complement: TAPT1 is on the minus strand). VCF-style: chr4-16186821-G-C. GRCh37 (hg19) VCF-style: chr4-16188444-G-C.
Other names: c.806C>G (NM_153365.2); short protein forms S269*.
Identifiers: ClinVar variation 4797469 (VCV004797469.2).
Genomic context (GRCh38, chr4:16,186,821, plus strand): 5'-AAGATAAATCTCATACTTACATTATTAGACATCATGATAGTAAGCAAAGACTTGTTGTGT[G>C]AGTTAAAAGCTACATTGAGAGTTGTTGCTTGAACCATTATAAGAATTGCATGCAAAACTA-3'